The following is an entry in ClinVar:

ClinVar aggregate classification (germline): Pathogenic (1 of 4 stars; one submission).

Submission:

CeGaT Center for Human Genetics Tuebingen
Classification: Pathogenic. Last evaluated: 2025-03-01. Review status: criteria provided, single submitter. Criteria: CeGaT Center For Human Genetics Tuebingen Variant Classification Criteria Version 2. Collection method: clinical testing. Allele origin: germline. Affected: yes. Observed: 1 variant allele.
Comment: HNRNPU: PVS1, PM2, PS2:Moderate

NM_031844.3(HNRNPU):c.1919_1920del (p.Phe640fs)

Gene: HNRNPU (heterogeneous nuclear ribonucleoprotein U; minus strand). Cytogenetic location: 1q44.
Variant type: Deletion.
Coding change: c.1919_1920del on transcript NM_031844.3 (MANE Select); coding-DNA positions 1919 to 1920, 2 bases deleted (TT; older notation c.1919_1920delTT).
Protein change: p.Phe640fs; shifts the reading frame from phenylalanine 640.
Molecular consequence: frameshift variant.
Genome position (GRCh38, 1-based): chr1:244,856,151-244,856,152, AA deleted on the plus strand (TT on the coding strand, the reverse complement: HNRNPU is on the minus strand); deleting any 2 consecutive bases within chr1:244,856,151-244,856,153 gives the same sequence; the c. name uses the placement nearest the transcript's 3' end. VCF-style (leftmost placement, unchanged base first): chr1-244856150-TAA-T. GRCh37 (hg19) VCF-style: chr1-245019452-TAA-T.
Other names: c.1862_1863del, p.Phe621fs (NM_004501.3); short protein forms F621fs, F640fs.
Identifiers: ClinVar variation 3778426 (VCV003778426.7).
Genomic context (GRCh38, chr1:244,856,150, plus strand): 5'-CTTCCTTCTGAAGTTCAACATAGGTTATTTCATCAAAGCACTCAGCTACCTCTGGGAGGG[TAA>T]AGTTTCCTGCAGGAAACAAAGTCATATTATTAATTTAGAAACCCACCACGAATCCTCACA-3'